The following is an entry in ClinVar:

NM_000057.4(BLM):c.3558+5A>G

Gene: BLM (BLM RecQ like helicase; plus strand). Cytogenetic location: 15q26.1.
Variant type: single nucleotide variant.
Coding change: c.3558+5A>G on transcript NM_000057.4 (MANE Select); 5 bases into the intron after coding-DNA position 3558, A replaced by G.
Molecular consequence: intron variant.
Genome position (GRCh38, 1-based): chr15:90,803,725, A>G. VCF-style: chr15-90803725-A-G. GRCh37 (hg19) VCF-style: chr15-91346955-A-G.
Other names: c.3558+5A>G (NM_001287246.2); c.3358+5388A>G (NM_001287247.2); c.2433+5A>G (NM_001287248.2).
Identifiers: ClinVar variation 2810119 (VCV002810119.3), dbSNP rs2505547993, ClinGen allele CA2739269736.

ClinVar aggregate classification (germline): Uncertain significance (1 of 4 stars; one submission).

Conditions:
Bloom syndrome (BLM). Also called: Bloom-Torre-Machacek syndrome. Identifiers: Orphanet 125, MedGen C0005859, MONDO:0008876, OMIM 210900.

Submission:

Labcorp Genetics (formerly Invitae), Labcorp
Classification: Uncertain significance for Bloom syndrome. Last evaluated: 2023-08-28. Review status: criteria provided, single submitter. Criteria: Invitae Variant Classification Sherloc (09022015). Collection method: clinical testing. Allele origin: germline.
Comment: In summary, the available evidence is currently insufficient to determine the role of this variant in disease. Therefore, it has been classified as a Variant of Uncertain Significance. Variants that disrupt the consensus splice site are a relatively common cause of aberrant splicing (PMID: 17576681, 9536098). Algorithms developed to predict the effect of sequence changes on RNA splicing suggest that this variant is not likely to affect RNA splicing. This variant has not been reported in the literature in individuals affected with BLM-related conditions. This variant is not present in population databases (gnomAD no frequency). This sequence change falls in intron 18 of the BLM gene. It does not directly change the encoded amino acid sequence of the BLM protein. It affects a nucleotide within the consensus splice site.

Literature cited by the submitters: PubMed 17576681; PubMed 9536098.